The following is an entry in ClinVar:

ClinVar aggregate classification (germline): Uncertain significance (1 of 4 stars; one submission).

Allele frequency attached by ClinVar (database versions not stated): gnomAD exomes below 0.00001; ExAC 0.00002.

Submission:

Labcorp Genetics (formerly Invitae), Labcorp
Classification: Uncertain significance. Last evaluated: 2023-08-27. Review status: criteria provided, single submitter. Criteria: Invitae Variant Classification Sherloc (09022015). Collection method: clinical testing. Allele origin: germline.
Comment: This sequence change falls in intron 4 of the TSR2 gene. It does not directly change the encoded amino acid sequence of the TSR2 protein. This variant is present in population databases (rs762830968, gnomAD 0.008%). In summary, the available evidence is currently insufficient to determine the role of this variant in disease. Therefore, it has been classified as a Variant of Uncertain Significance. Experimental studies and prediction algorithms are not available or were not evaluated, and the effect of this variant on mRNA splicing is currently unknown. ClinVar contains an entry for this variant (Variation ID: 2043716). This variant has not been reported in the literature in individuals affected with TSR2-related conditions.

NM_058163.3(TSR2):c.442-8C>T

Gene: TSR2 (TSR2 ribosome maturation factor; plus strand). Cytogenetic location: Xp11.22.
Variant type: single nucleotide variant.
Coding change: c.442-8C>T on transcript NM_058163.3 (MANE Select); 8 bases into the intron before coding-DNA position 442, C replaced by T.
Molecular consequence: intron variant.
Genome position (GRCh38, 1-based): chrX:54,444,408, C>T. VCF-style: chrX-54444408-C-T. GRCh37 (hg19) VCF-style: chrX-54470841-C-T.
Other names: c.157-8C>T (NM_001346791.2, NM_001346790.2, NM_001346792.2); c.433-8C>T (NM_001346789.2).
Identifiers: ClinVar variation 2043716 (VCV002043716.4), dbSNP rs762830968, ClinGen allele CA10424851.
Genomic context (GRCh38, chrX:54,444,408, plus strand): 5'-AAAGCTGGAGCAGAGCCTGGGTCTCCAGTGGTCAGTGTATTCAGCTCTCTTTTAAATCTC[C>T]CCTCCAGGTCACAGCTACGAATGATGGGGCTGCTACAGATGGGGTCTGCCCCCAGCCTGA-3'